The following is an entry in ClinVar:

NM_018026.4(PACS1):c.2402C>G (p.Ser801Cys)

Gene: PACS1 (phosphofurin acidic cluster sorting protein 1; plus strand). Cytogenetic location: 11q13.2.
Variant type: single nucleotide variant.
Coding change: c.2402C>G on transcript NM_018026.4 (MANE Select); coding-DNA position 2402, C replaced by G.
Protein change: p.Ser801Cys; replaces serine 801 with cysteine.
Molecular consequence: missense variant.
Genome position (GRCh38, 1-based): chr11:66,239,250, C>G. VCF-style: chr11-66239250-C-G. GRCh37 (hg19) VCF-style: chr11-66006721-C-G.
Other names: short protein forms S801C.
Identifiers: ClinVar variation 2008996 (VCV002008996.4), dbSNP rs2495603231, ClinGen allele CA381380401.

ClinVar aggregate classification (germline): Uncertain significance (1 of 4 stars; one submission).

Conditions:
Schuurs-Hoeijmakers syndrome. Also called: PACS1-Related Neurodevelopmental Disorder. Identifiers: Orphanet 329224, MedGen C3554343, MONDO:0014006, OMIM 615009.

Submission:

Labcorp Genetics (formerly Invitae), Labcorp
Classification: Uncertain significance for Schuurs-Hoeijmakers syndrome. Last evaluated: 2022-06-22. Review status: criteria provided, single submitter. Criteria: Invitae Variant Classification Sherloc (09022015). Collection method: clinical testing. Allele origin: germline.
Comment: Algorithms developed to predict the effect of missense changes on protein structure and function (SIFT, PolyPhen-2, Align-GVGD) all suggest that this variant is likely to be disruptive. This variant has not been reported in the literature in individuals affected with PACS1-related conditions. In summary, the available evidence is currently insufficient to determine the role of this variant in disease. Therefore, it has been classified as a Variant of Uncertain Significance. This sequence change replaces serine, which is neutral and polar, with cysteine, which is neutral and slightly polar, at codon 801 of the PACS1 protein (p.Ser801Cys). This variant is not present in population databases (gnomAD no frequency).